The following is an entry in ClinVar:

NM_024800.5(NEK11):c.1494G>A (p.Ala498=)

Gene: NEK11 (NIMA related kinase 11; plus strand). Cytogenetic location: 3q22.1.
Variant type: single nucleotide variant.
Coding change: c.1494G>A on transcript NM_024800.5 (MANE Select); coding-DNA position 1494, G replaced by A.
Protein change: p.Ala498=; no amino-acid change (alanine 498 retained).
Molecular consequence: synonymous variant.
Genome position (GRCh38, 1-based): chr3:131,228,622, G>A. VCF-style: chr3-131228622-G-A. GRCh37 (hg19) VCF-style: chr3-130947466-G-A.
Other names: c.942G>A, p.Ala314= (NM_001353046.2, NM_001321224.2); c.1050G>A, p.Ala350= (NM_001353048.2, NM_001353038.2, NM_001353039.2 and 4 more transcripts); c.1494G>A, p.Ala498= (NM_001146003.2, NM_001321220.2, NM_001353023.2 and 2 more transcripts); c.1620G>A, p.Ala540= (NM_001321221.2, NM_001353022.2, NM_001353026.2); c.1179G>A, p.Ala393= (NM_001321222.2, NM_001353032.2, NM_001353044.2 and 1 more transcripts); c.1491G>A, p.Ala497= (NM_001353024.2, NM_001353025.2); c.1386G>A, p.Ala462= (NM_001353027.2, NM_001353030.2, NM_001353031.2); c.1176G>A, p.Ala392= (NM_001353033.2, NM_001353034.2); and 2 more.
Identifiers: ClinVar variation 2654153 (VCV002654153.24), dbSNP rs138864243, ClinGen allele CA2616431.

ClinVar aggregate classification (germline): Likely benign (1 of 4 stars; one submission).

Allele frequency attached by ClinVar (database versions not stated): ExAC 0.00087; gnomAD 0.00098; 1000 Genomes Project 0.00100; 1000 Genomes Project 30x 0.00109; ESP Exome Variant Server 0.00123; TOPMed 0.00124.
gnomAD v4.1: 1,138 of 1,613,638 alleles (0.071%); highest among the groups gnomAD compares: Middle Eastern, 0.33%; 3 homozygotes.

Submission:

CeGaT Center for Human Genetics Tuebingen
Classification: Likely benign. Last evaluated: 2023-04-01. Review status: criteria provided, single submitter. Criteria: CeGaT Center For Human Genetics Tuebingen Variant Classification Criteria Version 2. Collection method: clinical testing. Allele origin: germline. Affected: yes. Observed: 1 variant allele.
Comment: NEK11: BP4, BP7